The following is an entry in ClinVar:

NM_000059.4(BRCA2):c.6938-4del

Gene: BRCA2 (BRCA2 DNA repair associated; plus strand). Cytogenetic location: 13q13.1.
Variant type: Deletion.
Coding change: c.6938-4del on transcript NM_000059.4 (MANE Select); 4 bases into the intron before coding-DNA position 6938, one base deleted (C; older notation c.6938-4delC).
Molecular consequence: intron variant.
Genome position (GRCh38, 1-based): chr13:32,346,823, C deleted; the last of 2 consecutive C bases (chr13:32,346,822-32,346,823); deleting either gives the same sequence. VCF-style (leftmost placement, unchanged base first): chr13-32346821-TC-T. GRCh37 (hg19) VCF-style: chr13-32920958-TC-T.
Other names: c.6938-4delC (NM_000059.3).
Identifiers: ClinVar variation 420460 (VCV000420460.5), dbSNP rs1064794490, ClinGen allele CA16619754.
Genomic context (GRCh38, chr13:32,346,821, plus strand): 5'-TTTACAGTAACATGGATATTCTCTTAGATTTTAACTAATATGTAATATAAAATAATTGTT[TC>T]CTAGGCACAATAAAAGATCGAAGATTGTTTATGCATCATGTTTCTTTAGAGCCGATTACC-3'

ClinVar aggregate classification (germline): Likely benign. Review status: criteria provided, multiple submitters, no conflicts (2 of 4 stars). 3 submissions from 3 submitters: Likely benign (3). Last evaluated 2025-07-31.

Conditions:
Breast-ovarian cancer, familial, susceptibility to, 2 (BROVCA2). Also called: BRCA2 Hereditary Breast and Ovarian Cancer. Identifiers: Orphanet 145, MedGen C2675520, MONDO:0012933, OMIM 612555. Disease mechanism: loss of function.
Hereditary breast ovarian cancer syndrome. Also called: Hereditary breast and ovarian cancer syndrome; BRCA1- and BRCA2-Associated Hereditary Breast and Ovarian Cancer; Hereditary breast and/or ovarian cancer syndrome; Hereditary breast and ovarian cancer; Breast and ovarian cancer; Hereditary breast and ovarian cancer syndrome (HBOC). Identifiers: Orphanet 145, MedGen C0677776, MeSH D061325, MONDO:0003582. Disease mechanism: loss of function.

Submissions (3):

Labcorp Genetics (formerly Invitae), Labcorp
Classification: Likely benign for Hereditary breast ovarian cancer syndrome. Last evaluated: 2025-07-31. Review status: criteria provided, single submitter. Criteria: Invitae Variant Classification Sherloc (09022015). Collection method: clinical testing. Allele origin: germline.

All of Us Research Program, National Institutes of Health
Classification: Likely benign for Breast-ovarian cancer, familial, susceptibility to, 2. Last evaluated: 2023-10-02. Review status: criteria provided, single submitter. Criteria: ACMG Guidelines, 2015. Collection method: clinical testing. Allele origin: germline. Inheritance: Autosomal dominant inheritance. Observed: 1 variant allele, 1 heterozygote.
Comment: This study involves interpretation of variants in research participants for the purpose of population health screening. Participant phenotype was not available at the time of variant classification. Additional details can be found in publication PMID: 35346344, PMCID: PMC8962531

GeneDx
Classification: Likely benign. Last evaluated: 2016-02-10. Review status: criteria provided, single submitter. Criteria: GeneDx Variant Classification (06012015). Collection method: clinical testing. Allele origin: germline. Affected: yes.
Comment: This variant is considered likely benign or benign based on one or more of the following criteria: it is a conservative change, it occurs at a poorly conserved position in the protein, it is predicted to be benign by multiple in silico algorithms, and/or has population frequency not consistent with disease.